The following is an entry in ClinVar:

ClinVar aggregate classification (germline): Uncertain significance (1 of 4 stars; one submission).

Conditions:
NRP1-related disorder. Also called: NRP1-related condition.

gnomAD v4.1: 5 of 1,614,062 alleles (0.00031%); highest among the groups gnomAD compares: Admixed American, 0.005%; no homozygotes.

Submission:

PreventionGenetics, part of Exact Sciences
Classification: Uncertain significance for NRP1-related condition. Last evaluated: 2026-03-27. Review status: criteria provided, single submitter. Criteria: ACMG Guidelines, 2015. Collection method: clinical testing. Allele origin: germline.
Comment: The NRP1 c.670A>G variant is predicted to result in the amino acid substitution p.Ile224Val. To our knowledge, this variant has not been reported in the literature. This variant is reported in 0.0087% of alleles in individuals of Latino descent in gnomAD. At this time, the clinical significance of this variant is uncertain due to the absence of conclusive functional and genetic evidence.

NM_003873.7(NRP1):c.670A>G (p.Ile224Val)

Gene: NRP1 (neuropilin 1; minus strand). Cytogenetic location: 10p11.22.
Variant type: single nucleotide variant.
Coding change: c.670A>G on transcript NM_003873.7 (MANE Select); coding-DNA position 670, A replaced by G.
Protein change: p.Ile224Val; replaces isoleucine 224 with valine.
Molecular consequence: missense variant. On other transcripts: non-coding transcript variant (1).
Genome position (GRCh38, 1-based): chr10:33,256,460, T>C on the plus strand (A>G on the coding strand, the complement: NRP1 is on the minus strand). VCF-style: chr10-33256460-T-C. GRCh37 (hg19) VCF-style: chr10-33545388-T-C.
Other names: c.670A>G, p.Ile224Val (NM_001024628.3, NM_001024629.3, NM_001244972.2 and 2 more transcripts); short protein forms I224V.
Identifiers: ClinVar variation 4984972 (VCV004984972.1).